The following is an entry in ClinVar:

NM_001368882.1(COL13A1):c.1184G>A (p.Arg395Lys)

Gene: COL13A1 (collagen type XIII alpha 1 chain; plus strand). Cytogenetic location: 10q22.1.
Variant type: single nucleotide variant.
Coding change: c.1184G>A on transcript NM_001368882.1 (MANE Select); coding-DNA position 1184, G replaced by A.
Protein change: p.Arg395Lys; replaces arginine 395 with lysine.
Molecular consequence: missense variant.
Genome position (GRCh38, 1-based): chr10:69,922,748, G>A. VCF-style: chr10-69922748-G-A. GRCh37 (hg19) VCF-style: chr10-71682504-G-A.
Other names: c.1151G>A, p.Arg384Lys (NM_001130103.2); c.1121G>A, p.Arg374Lys (NM_001320951.2, NM_001368884.1); c.1148G>A, p.Arg383Lys (NM_001368883.1); c.1085G>A, p.Arg362Lys (NM_001368885.1, NM_080801.4, NM_080802.4); c.521G>A, p.Arg174Lys (NM_001368886.1); c.1094G>A, p.Arg365Lys (NM_001368895.1, NM_080800.4); c.980G>A, p.Arg327Lys (NM_001368896.1, NM_001368898.1, NM_080798.4); c.1007G>A, p.Arg336Lys (NM_001368897.1); and 1 more; short protein forms R362K, R383K, R174K, R333K, R384K, R336K, R365K, R374K.
Identifiers: ClinVar variation 1994616 (VCV001994616.3), dbSNP rs761948329, ClinGen allele CA5534631.

ClinVar aggregate classification (germline): Uncertain significance. Review status: criteria provided, multiple submitters, no conflicts (2 of 4 stars). 2 submissions from 2 submitters: Uncertain significance (2). Last evaluated 2024-02-19.

Conditions:
Congenital myasthenic syndrome 19. Identifiers: Orphanet 590, MedGen C4225235, MONDO:0014745, OMIM 616720.

Allele frequency attached by ClinVar (database versions not stated): gnomAD 0.00001; ExAC 0.00002; TOPMed 0.00001; gnomAD exomes 0.00001.
gnomAD v4.1: 6 of 1,606,360 alleles (0.00037%); highest among the groups gnomAD compares: Non-Finnish European, 0.00042%; no homozygotes.

Submissions (2):

Revvity Omics, Revvity
Classification: Uncertain significance for Congenital myasthenic syndrome 19. Last evaluated: 2024-02-19. Review status: criteria provided, single submitter. Criteria: ACMG Guidelines, 2015. Collection method: clinical testing. Allele origin: germline.

Labcorp Genetics (formerly Invitae), Labcorp
Classification: Uncertain significance. Last evaluated: 2022-05-15. Review status: criteria provided, single submitter. Criteria: Invitae Variant Classification Sherloc (09022015). Collection method: clinical testing. Allele origin: germline.
Comment: This sequence change replaces arginine, which is basic and polar, with lysine, which is basic and polar, at codon 384 of the COL13A1 protein (p.Arg384Lys). The frequency data for this variant in the population databases is considered unreliable, as metrics indicate poor data quality at this position in the gnomAD database. This variant has not been reported in the literature in individuals affected with COL13A1-related conditions. Algorithms developed to predict the effect of missense changes on protein structure and function are either unavailable or do not agree on the potential impact of this missense change (SIFT: "Tolerated"; PolyPhen-2: "Probably Damaging"; Align-GVGD: "Class C0"). In summary, the available evidence is currently insufficient to determine the role of this variant in disease. Therefore, it has been classified as a Variant of Uncertain Significance.